The following is an entry in ClinVar:

ClinVar aggregate classification (germline): Uncertain significance. Review status: criteria provided, multiple submitters, no conflicts (2 of 4 stars). 3 submissions from 3 submitters: Uncertain significance (3). Last evaluated 2025-04-25.

Conditions:
BBS5-related disorder. Also called: BBS5-related condition.
Inborn genetic diseases. Identifiers: MedGen C0950123, MeSH D030342.
Bardet-Biedl syndrome (BBS). Identifiers: Orphanet 110, MedGen C0752166, MONDO:0015229.

gnomAD v4.1: 35 of 1,612,990 alleles (0.0022%); highest among the groups gnomAD compares: East Asian, 0.078%; no homozygotes.

Submissions (3):

PreventionGenetics, part of Exact Sciences
Classification: Uncertain significance for BBS5-related condition. Last evaluated: 2025-04-25. Review status: criteria provided, single submitter. Criteria: ACMG Guidelines, 2015. Collection method: clinical testing. Allele origin: germline.
Comment: The BBS5 c.365C>A variant is predicted to result in the amino acid substitution p.Thr122Asn. To our knowledge, this variant has not been reported in the literature. This variant is reported in 0.075% of alleles in individuals of East Asian descent in gnomAD. At this time, the clinical significance of this variant is uncertain due to the absence of conclusive functional and genetic evidence.

Ambry Genetics
Classification: Uncertain significance for Inborn genetic diseases. Last evaluated: 2024-04-24. Review status: criteria provided, single submitter. Criteria: Ambry Variant Classification Scheme 2023. Collection method: clinical testing. Allele origin: germline.

Labcorp Genetics (formerly Invitae), Labcorp
Classification: Uncertain significance for Bardet-Biedl syndrome. Last evaluated: 2022-06-04. Review status: criteria provided, single submitter. Criteria: Invitae Variant Classification Sherloc (09022015). Collection method: clinical testing. Allele origin: germline.
Comment: This sequence change replaces threonine, which is neutral and polar, with asparagine, which is neutral and polar, at codon 122 of the BBS5 protein (p.Thr122Asn). This variant is present in population databases (rs74271896, gnomAD 0.08%). This variant has not been reported in the literature in individuals affected with BBS5-related conditions. Algorithms developed to predict the effect of missense changes on protein structure and function are either unavailable or do not agree on the potential impact of this missense change (SIFT: "Tolerated"; PolyPhen-2: "Probably Damaging"; Align-GVGD: "Class C0"). In summary, the available evidence is currently insufficient to determine the role of this variant in disease. Therefore, it has been classified as a Variant of Uncertain Significance.

NM_152384.3(BBS5):c.365C>A (p.Thr122Asn)

Gene: BBS5 (Bardet-Biedl syndrome 5; plus strand). Cytogenetic location: 2q31.1.
Variant type: single nucleotide variant.
Coding change: c.365C>A on transcript NM_152384.3 (MANE Select); coding-DNA position 365, C replaced by A.
Protein change: p.Thr122Asn; replaces threonine 122 with asparagine.
Molecular consequence: missense variant.
Genome position (GRCh38, 1-based): chr2:169,488,093, C>A. VCF-style: chr2-169488093-C-A. GRCh37 (hg19) VCF-style: chr2-170344603-C-A.
Other names: c.365C>A (NM_152384.2); short protein forms T122N.
Identifiers: ClinVar variation 1901321 (VCV001901321.4), dbSNP rs74271896, ClinGen allele CA1956190.
Genomic context (GRCh38, chr2:169,488,093, plus strand): 5'-ACAGTACTCGTTTTGAATTTATATTTACAAATTTGGTTCCTGGAAGCCCTAGACTTTTTA[C>A]TTCTGTGATGGCAGTACACAGGTATAGTAATACTTTATGGATTATTGAATATTTTTTGTT-3'
Protein context (NP_689597.1, residues 112-132): NLVPGSPRLF[Thr122Asn]SVMAVHRAYE